The following is an entry in ClinVar:

NM_007294.4(BRCA1):c.375_376insT (p.Gln126fs)

Gene: BRCA1 (BRCA1 DNA repair associated; minus strand). Cytogenetic location: 17q21.31.
Variant type: Insertion.
Coding change: c.375_376insT on transcript NM_007294.4 (MANE Select); coding-DNA positions 375 to 376, T inserted.
Protein change: p.Gln126fs; shifts the reading frame from glutamine 126.
Molecular consequence: frameshift variant. On other transcripts: non-coding transcript variant (1).
Genome position: GRCh38 VCF-style: chr17-43104187-G-GA. GRCh37 (hg19) VCF-style: chr17-41256204-G-GA.
Other names: 494insT; c.165_166insT, p.Gln56Serfs (NM_001407571.1, NM_001407853.1, NM_001407879.1 and 58 more transcripts); c.375_376insT, p.Gln126Serfs (NM_001407581.1, NM_001407582.1, NM_001407583.1 and 163 more transcripts); c.366_367insT, p.Gln123Serfs (NM_001407646.1, NM_001407647.1, NM_001408408.1); c.297_298insT, p.Gln100Serfs (NM_001407653.1, NM_001407654.1, NM_001407655.1 and 21 more transcripts); c.234_235insT, p.Gln79Serfs (NM_001407692.1, NM_001407694.1, NM_001407695.1 and 98 more transcripts); c.-7_-6insT (NM_001407959.1, NM_001407960.1, NM_001407962.1 and 4 more transcripts); c.243_244insT, p.Gln82Serfs (NM_001408451.1); and 2 more; short protein forms Q79fs, Q126fs.
Identifiers: ClinVar variation 54993 (VCV000054993.7), dbSNP rs397509101, ClinGen allele CA002404.
Genomic context (GRCh38, chr17:43,104,187, plus strand): 5'-AAGGATTTTCGGGTTCACTCTGTAGAAGTCTTTTGGCACGGTTTCTGTAGCCCATACTTT[G>GA]GATGATAGAAACTTCATCTTTTAGATGTTCAGGAGAGTTATTTTCCTTTTTTGCAAAATT-3'

ClinVar aggregate classification (germline): Pathogenic. Review status: reviewed by expert panel (3 of 4 stars). 2 submissions from 2 submitters: Pathogenic (1). 1 of the submissions does not count toward it. Last evaluated 2016-10-18.

Conditions:
Breast-ovarian cancer, familial, susceptibility to, 1 (BROVCA1). Also called: BRCA1 Hereditary Breast and Ovarian Cancer; OVARIAN CANCER, SUSCEPTIBILITY TO. Identifiers: Orphanet 145, MedGen C2676676, MONDO:0011450, OMIM 604370. Disease mechanism: loss of function.

Submissions (2):

Evidence-based Network for the Interpretation of Germline Mutant Alleles (ENIGMA)
Classification: Pathogenic for Breast-ovarian cancer, familial, susceptibility to, 1. Last evaluated: 2016-10-18. Review status: reviewed by expert panel. Criteria: ENIGMA BRCA1/2 Classification Criteria (2015). Collection method: curation. Allele origin: germline.
Comment: Variant allele predicted to encode a truncated non-functional protein.

Consortium of Investigators of Modifiers of BRCA1/2 (CIMBA), c/o University of Cambridge
Classification: Pathogenic for Breast-ovarian cancer, familial, susceptibility to, 1. Last evaluated: 2015-10-02. Review status: criteria provided, single submitter. Criteria: CIMBA Mutation Classification guidelines May 2016. Collection method: clinical testing. Allele origin: germline. Not counted in ClinVar's aggregate classification.